The following is an entry in ClinVar:

NM_002291.3(LAMB1):c.1074C>T (p.Ser358=)

Gene: LAMB1 (laminin subunit beta 1; minus strand). Cytogenetic location: 7q31.1.
Variant type: single nucleotide variant.
Coding change: c.1074C>T on transcript NM_002291.3 (MANE Select); coding-DNA position 1074, C replaced by T.
Protein change: p.Ser358=; no amino-acid change (serine 358 retained).
Molecular consequence: synonymous variant.
Genome position (GRCh38, 1-based): chr7:107,975,804, G>A on the plus strand (C>T on the coding strand, the complement: LAMB1 is on the minus strand). VCF-style: chr7-107975804-G-A. GRCh37 (hg19) VCF-style: chr7-107616249-G-A.
Identifiers: ClinVar variation 507105 (VCV000507105.9), dbSNP rs758179734, ClinGen allele CA4436114.
Genomic context (GRCh38, chr7:107,975,804, plus strand): 5'-CTTGCACTGCTCACAGTTGCGCCCCATGGTGTTGTGCTGACAGTCATCACACACGCCTCC[G>A]CTGACGTTCCCCGTGGCCAGGTAAACAGCCATGTCAAAGTGACAAGAGATGGAATGTTCA-3'
Protein context (NP_002282.2, residues 348-368): MAVYLATGNV[Ser358=]GGVCDDCQHN

ClinVar aggregate classification (germline): Likely benign. Review status: criteria provided, multiple submitters, no conflicts (2 of 4 stars). 2 submissions from 2 submitters: Likely benign (2). Last evaluated 2025-09-25.

Allele frequency attached by ClinVar (database versions not stated): TOPMed 0.00002; ExAC 0.00007; gnomAD exomes 0.00011.
gnomAD v4.1: 66 of 1,613,920 alleles (0.0041%); highest among the groups gnomAD compares: East Asian, 0.053%; no homozygotes.

Submissions (2):

Labcorp Genetics (formerly Invitae), Labcorp
Classification: Likely benign. Last evaluated: 2025-09-25. Review status: criteria provided, single submitter. Criteria: Invitae Variant Classification Sherloc (09022015). Collection method: clinical testing. Allele origin: germline.

GeneDx
Classification: Likely benign. Last evaluated: 2017-01-26. Review status: criteria provided, single submitter. Criteria: GeneDx Variant Classification (06012015). Collection method: clinical testing. Allele origin: germline. Affected: yes.
Comment: This variant is considered likely benign or benign based on one or more of the following criteria: it is a conservative change, it occurs at a poorly conserved position in the protein, it is predicted to be benign by multiple in silico algorithms, and/or has population frequency not consistent with disease.